The following is an entry in ClinVar:

NM_014639.4(SKIC3):c.2960G>A (p.Gly987Asp)

Gene: SKIC3 (SKI3 subunit of superkiller complex; minus strand). Cytogenetic location: 5q15.
Variant type: single nucleotide variant.
Coding change: c.2960G>A on transcript NM_014639.4 (MANE Select); coding-DNA position 2960, G replaced by A.
Protein change: p.Gly987Asp; replaces glycine 987 with aspartic acid.
Molecular consequence: missense variant.
Genome position (GRCh38, 1-based): chr5:95,509,648, C>T on the plus strand (G>A on the coding strand, the complement: SKIC3 is on the minus strand). VCF-style: chr5-95509648-C-T. GRCh37 (hg19) VCF-style: chr5-94845352-C-T.
Other names: short protein forms G987D.
Identifiers: ClinVar variation 2023754 (VCV002023754.4), dbSNP rs1247972176, ClinGen allele CA360454880.

ClinVar aggregate classification (germline): Uncertain significance (1 of 4 stars; one submission).

Allele frequency attached by ClinVar (database versions not stated): TOPMed below 0.00001; gnomAD 0.00001.
gnomAD v4.1: 1 of 1,613,820 alleles (0.000062%); highest among the groups gnomAD compares: Non-Finnish European, 0.000085%; no homozygotes.

Submission:

Labcorp Genetics (formerly Invitae), Labcorp
Classification: Uncertain significance. Last evaluated: 2025-10-21. Review status: criteria provided, single submitter. Criteria: Invitae Variant Classification Sherloc (09022015). Collection method: clinical testing. Allele origin: germline.
Comment: This sequence change replaces glycine, which is neutral and non-polar, with aspartic acid, which is acidic and polar, at codon 987 of the TTC37 protein (p.Gly987Asp). This variant is not present in population databases (gnomAD no frequency). This variant has not been reported in the literature in individuals affected with TTC37-related conditions. ClinVar contains an entry for this variant (Variation ID: 2023754). An algorithm developed to predict the effect of missense changes on protein structure and function (PolyPhen-2) suggests that this variant is likely to be disruptive. In summary, the available evidence is currently insufficient to determine the role of this variant in disease. Therefore, it has been classified as a Variant of Uncertain Significance.